The following is an entry in ClinVar:

NM_014000.3(VCL):c.332G>A (p.Gly111Glu)

Gene: VCL (vinculin; plus strand). Cytogenetic location: 10q22.2.
Variant type: single nucleotide variant.
Coding change: c.332G>A on transcript NM_014000.3 (MANE Select); coding-DNA position 332, G replaced by A.
Protein change: p.Gly111Glu; replaces glycine 111 with glutamic acid.
Molecular consequence: missense variant.
Genome position (GRCh38, 1-based): chr10:74,070,762, G>A. VCF-style: chr10-74070762-G-A. GRCh37 (hg19) VCF-style: chr10-75830520-G-A.
Other names: c.332G>A, p.Gly111Glu (NM_003373.4); short protein forms G111E.
Identifiers: ClinVar variation 2158485 (VCV002158485.4), dbSNP rs2549212037, ClinGen allele CA377265970.

ClinVar aggregate classification (germline): Uncertain significance (1 of 4 stars; one submission).

Conditions:
Dilated cardiomyopathy 1W (CMD1W). Identifiers: Orphanet 154, MedGen C1969639, MONDO:0012667, OMIM 611407.

Submission:

Labcorp Genetics (formerly Invitae), Labcorp
Classification: Uncertain significance for Dilated cardiomyopathy 1W. Last evaluated: 2022-08-09. Review status: criteria provided, single submitter. Criteria: Invitae Variant Classification Sherloc (09022015). Collection method: clinical testing. Allele origin: germline.
Comment: This variant has not been reported in the literature in individuals affected with VCL-related conditions. This sequence change replaces glycine, which is neutral and non-polar, with glutamic acid, which is acidic and polar, at codon 111 of the VCL protein (p.Gly111Glu). This variant is not present in population databases (gnomAD no frequency). Algorithms developed to predict the effect of missense changes on protein structure and function are either unavailable or do not agree on the potential impact of this missense change (SIFT: "Not Available"; PolyPhen-2: "Probably Damaging"; Align-GVGD: "Not Available"). In summary, the available evidence is currently insufficient to determine the role of this variant in disease. Therefore, it has been classified as a Variant of Uncertain Significance.